The following is an entry in ClinVar:

ClinVar aggregate classification (germline): Uncertain significance. Review status: reviewed by expert panel (3 of 4 stars). 2 submissions from 2 submitters: Uncertain significance (1). 1 of the submissions does not count toward it. Last evaluated 2025-01-15.

Conditions:
Hereditary thrombocytopenia and hematological cancer predisposition syndrome associated with RUNX1. Also called: Familial Platelet Disorder with Propensity to Acute Myelogenous Leukemia; Familial thrombocytopenia with propensity to acute myelogenous leukemia; PLATELET DISORDER, ASPIRIN-LIKE; RUNX1 Familial Platelet Disorder with Associated Myeloid Malignancies. Identifiers: Orphanet 71290, MedGen C1832388, MeSH C563324, MONDO:0100083, OMIM 601399.
Hereditary thrombocytopenia and hematologic cancer predisposition syndrome. Identifiers: Orphanet 71290, MedGen CN281654, MONDO:0011071.

Submissions (2):

ClinGen Myeloid Malignancy Variant Curation Expert Panel
Classification: Uncertain significance for Hereditary thrombocytopenia and hematologic cancer predisposition syndrome. Last evaluated: 2025-01-15. Review status: reviewed by expert panel. Criteria: ClinGen MyeloMalig ACMG Specifications v2. Collection method: curation. Allele origin: germline. Inheritance: Autosomal dominant inheritance.
Comment: NM_001754.5(RUNX1):c.1150C>A (p.Pro384Thr) is a missense variant which has a REVEL score ≥ 0.88 (0.88) (PP3). This variant is completely absent from all population databases with at least 20x coverage for RUNX1 (PM2_Supporting). In summary, the clinical significance of this variant is uncertain. ACMG/AMP criteria applied, as specified by the Myeloid Malignancy Variant Curation Expert Panel for RUNX1: PM2_supporting, PP3.

Labcorp Genetics (formerly Invitae), Labcorp
Classification: Uncertain significance for Hereditary thrombocytopenia and hematological cancer predisposition syndrome associated with RUNX1. Last evaluated: 2022-11-12. Review status: criteria provided, single submitter. Criteria: Invitae Variant Classification Sherloc (09022015). Collection method: clinical testing. Allele origin: germline. Not counted in ClinVar's aggregate classification.
Comment: In summary, the available evidence is currently insufficient to determine the role of this variant in disease. Therefore, it has been classified as a Variant of Uncertain Significance. This sequence change replaces proline, which is neutral and non-polar, with threonine, which is neutral and polar, at codon 384 of the RUNX1 protein (p.Pro384Thr). This variant is not present in population databases (gnomAD no frequency). This variant has not been reported in the literature in individuals affected with RUNX1-related conditions. Advanced modeling of protein sequence and biophysical properties (such as structural, functional, and spatial information, amino acid conservation, physicochemical variation, residue mobility, and thermodynamic stability) performed at Invitae indicates that this missense variant is not expected to disrupt RUNX1 protein function.

NM_001754.5(RUNX1):c.1150C>A (p.Pro384Thr)

Gene: RUNX1 (RUNX family transcription factor 1; minus strand). Cytogenetic location: 21q22.12.
Variant type: single nucleotide variant.
Coding change: c.1150C>A on transcript NM_001754.5 (MANE Select); coding-DNA position 1150, C replaced by A.
Protein change: p.Pro384Thr; replaces proline 384 with threonine.
Molecular consequence: missense variant.
Genome position (GRCh38, 1-based): chr21:34,792,428, G>T on the plus strand (C>A on the coding strand, the complement: RUNX1 is on the minus strand). VCF-style: chr21-34792428-G-T. GRCh37 (hg19) VCF-style: chr21-36164725-G-T.
Other names: NM_001754.5(RUNX1):c.1150C>A; p.Pro384Thr; c.1069C>A, p.Pro357Thr (NM_001001890.3); short protein forms P357T, P384T.
Identifiers: ClinVar variation 2805962 (VCV002805962.5), dbSNP rs2056456531, ClinGen allele CA410147949.